The following is an entry in ClinVar:

ClinVar aggregate classification (germline): Conflicting classifications of pathogenicity. Review status: criteria provided, conflicting classifications (1 of 4 stars). 12 submissions from 11 submitters: Uncertain significance (1); Benign (8); Likely benign (1). 2 of the submissions do not count toward it. Last evaluated 2026-02-03.

Conditions:
Hypercholesterolemia, autosomal dominant, type B (FHCL2). Also called: Familial hypercholesterolemia 2; Familial Hypercholesterolemia Type B; APOLIPOPROTEIN B-100, FAMILIAL DEFECTIVE; APOLIPOPROTEIN B-100, FAMILIAL LIGAND-DEFECTIVE; HYPERCHOLESTEROLEMIA, FAMILIAL, DUE TO LIGAND-DEFECTIVE APOLIPOPROTEIN B; APOB-Related Familial Hypercholesterolemia, Autosomal Dominant. Identifiers: MedGen C1704417, MONDO:0007751, OMIM 144010.
Familial hypobetalipoproteinemia 1. Also called: Hypobetalipoproteinemia, normotriglyceridemic; Acanthocytosis with hypobetalipoproteinemia; APOB-Related Familial Hypobetalipoproteinemia. Identifiers: MedGen C4551990, MONDO:0014252, OMIM 615558.
Familial hypercholesterolemia. Also called: Familial hypercholesterolaemia; Familial hypercholesterolemias. Identifiers: MedGen C0020445, MONDO:0005439.
Cardiovascular phenotype. Identifiers: MedGen CN230736.

Allele frequency attached by ClinVar (database versions not stated): gnomAD exomes 0.00079 and 0.00214; ExAC 0.00266; ESP Exome Variant Server 0.00715; gnomAD 0.00861 and 0.00920; TOPMed 0.00944; 1000 Genomes Project 0.01258; 1000 Genomes Project 30x 0.01374.
gnomAD v4.1: 2,507 of 1,611,938 alleles (0.16%); highest among the groups gnomAD compares: African/African-American, 3%; 38 homozygotes.

Submissions (12):

Labcorp Genetics (formerly Invitae), Labcorp
Classification: Benign for Familial hypobetalipoproteinemia 1; Hypercholesterolemia, autosomal dominant, type B. Last evaluated: 2026-02-03. Review status: criteria provided, single submitter. Criteria: Invitae Variant Classification Sherloc (09022015). Collection method: clinical testing. Allele origin: germline.

Molecular Diagnostic Laboratory for Inherited Cardiovascular Disease, Montreal Heart Institute
Classification: Benign. Last evaluated: 2025-04-09. Review status: criteria provided, single submitter. Criteria: ACMG Guidelines, 2015. Collection method: clinical testing. Allele origin: germline. Affected: no.
Comment: BS1;BP6

ARUP Laboratories, Molecular Genetics and Genomics, ARUP Laboratories
Classification: Benign. Last evaluated: 2025-03-11. Review status: criteria provided, single submitter. Criteria: ARUP Molecular Germline Variant Investigation Process 2024. Collection method: clinical testing. Allele origin: germline.

Quest Diagnostics Nichols Institute San Juan Capistrano
Classification: Benign. Last evaluated: 2023-06-08. Review status: criteria provided, single submitter. Criteria: Quest Diagnostics criteria. Collection method: clinical testing. Allele origin: unknown.

GENinCode PLC
Classification: Benign for Familial hypercholesterolemia. Last evaluated: 2022-10-11. Review status: criteria provided, single submitter. Criteria: ACMG Guidelines, 2015. Collection method: clinical testing. Allele origin: germline.

Mayo Clinic Laboratories, Mayo Clinic
Classification: Benign. Last evaluated: 2022-04-15. Review status: criteria provided, single submitter. Criteria: ACMG Guidelines, 2015. Collection method: clinical testing. Allele origin: germline. Observed: 2 variant alleles.
Comment: BS1, BP4, BP7

GeneDx
Classification: Benign. Last evaluated: 2019-01-15. Review status: criteria provided, single submitter. Criteria: GeneDx Variant Classification Process June 2021. Collection method: clinical testing. Allele origin: germline. Affected: yes.

Illumina Laboratory Services, Illumina
Classification: Likely benign for Hypercholesterolemia, autosomal dominant, type B. Last evaluated: 2018-01-13. Review status: criteria provided, single submitter. Criteria: ICSL Variant Classification Criteria 13 December 2019. Collection method: clinical testing. Allele origin: germline.
Comment: This variant was observed in the ICSL laboratory as part of a predisposition screen in an ostensibly healthy population. It had not been previously curated by ICSL or reported in the Human Gene Mutation Database (HGMD: prior to June 1st, 2018), and was therefore a candidate for classification through an automated scoring system. Utilizing variant allele frequency, disease prevalence and penetrance estimates, and inheritance mode, an automated score was calculated to assess if this variant is too frequent to cause the disease. Based on the score and internal cut-off values, a variant classified as likely benign is not then subjected to further curation. The score for this variant resulted in a classification of likely benign for this disease.

Illumina Laboratory Services, Illumina
Classification: Uncertain significance for Familial hypobetalipoproteinemia 1. Last evaluated: 2018-01-13. Review status: criteria provided, single submitter. Criteria: ICSL Variant Classification Criteria 13 December 2019. Collection method: clinical testing. Allele origin: germline.

Ambry Genetics
Classification: Benign for Cardiovascular phenotype. Last evaluated: 2016-03-23. Review status: criteria provided, single submitter. Criteria: Ambry Variant Classification Scheme 2023. Collection method: clinical testing. Allele origin: germline.

Clinical Genetics, Academic Medical Center
Classification: Benign. Review status: no assertion criteria provided. Collection method: clinical testing. Allele origin: germline. Affected: yes. Study: VKGL Data-share Consensus. Not counted in ClinVar's aggregate classification.

Diagnostic Laboratory, Department of Genetics, University Medical Center Groningen
Classification: Benign. Review status: no assertion criteria provided. Collection method: clinical testing. Allele origin: germline. Affected: yes. Study: VKGL Data-share Consensus. Not counted in ClinVar's aggregate classification.

NM_000384.3(APOB):c.2244+3G>A

Gene: APOB (apolipoprotein B; minus strand). Cytogenetic location: 2p24.1.
Variant type: single nucleotide variant.
Coding change: c.2244+3G>A on transcript NM_000384.3 (MANE Select); 3 bases into the intron after coding-DNA position 2244, G replaced by A.
Molecular consequence: intron variant.
Genome position (GRCh38, 1-based): chr2:21,026,785, C>T on the plus strand (G>A on the coding strand, the complement: APOB is on the minus strand). VCF-style: chr2-21026785-C-T. GRCh37 (hg19) VCF-style: chr2-21249657-C-T.
Other names: p.?.
Identifiers: ClinVar variation 334167 (VCV000334167.37), dbSNP rs12714189, ClinGen allele CA055682.
Genomic context (GRCh38, chr2:21,026,785, plus strand): 5'-AAAGAATTGTTTTTGCATTGAGACCCAAAGCTTTCCTTAAGAAGATACTTCACAAATACA[C>T]ACCTGCTCATGTTTATCATCTTTGGTATAGCCAAAGTGGTCCACTAAGACCTTAGAGACA-3'